The following is an entry in ClinVar:

ClinVar aggregate classification (germline): Uncertain significance (1 of 4 stars; one submission).

Conditions:
Epileptic encephalopathy. Identifiers: MedGen C0543888, HP:0200134.

Submission:

Labcorp Genetics (formerly Invitae), Labcorp
Classification: Uncertain significance for Epileptic encephalopathy. Last evaluated: 2024-07-06. Review status: criteria provided, single submitter. Criteria: Invitae Variant Classification Sherloc (09022015). Collection method: clinical testing. Allele origin: germline.
Comment: This sequence change replaces glycine, which is neutral and non-polar, with serine, which is neutral and polar, at codon 250 of the FASN protein (p.Gly250Ser). This variant is present in population databases (no rsID available, gnomAD 0.01%). This variant has not been reported in the literature in individuals affected with FASN-related conditions. Algorithms developed to predict the effect of missense changes on protein structure and function output the following: SIFT: "Not Available"; PolyPhen-2: "Possibly Damaging"; Align-GVGD: "Not Available". The serine amino acid residue is found in multiple mammalian species, which suggests that this missense change does not adversely affect protein function. In summary, the available evidence is currently insufficient to determine the role of this variant in disease. Therefore, it has been classified as a Variant of Uncertain Significance.

NM_004104.5(FASN):c.748G>A (p.Gly250Ser)

Gene: FASN (fatty acid synthase; minus strand). Cytogenetic location: 17q25.3.
Variant type: single nucleotide variant.
Coding change: c.748G>A on transcript NM_004104.5 (MANE Select); coding-DNA position 748, G replaced by A.
Protein change: p.Gly250Ser; replaces glycine 250 with serine.
Molecular consequence: missense variant.
Genome position (GRCh38, 1-based): chr17:82,092,927, C>T on the plus strand (G>A on the coding strand, the complement: FASN is on the minus strand). VCF-style: chr17-82092927-C-T. GRCh37 (hg19) VCF-style: chr17-80050803-C-T.
Other names: short protein forms G250S.
Identifiers: ClinVar variation 3693060 (VCV003693060.2).